The following is an entry in ClinVar:

NM_001009944.3(PKD1):c.9295G>C (p.Asp3099His)

Gene: PKD1 (polycystin 1, transient receptor potential channel interacting; minus strand). Cytogenetic location: 16p13.3.
Variant type: single nucleotide variant.
Coding change: c.9295G>C on transcript NM_001009944.3 (MANE Select); coding-DNA position 9295, G replaced by C.
Protein change: p.Asp3099His; replaces aspartic acid 3099 with histidine.
Molecular consequence: missense variant.
Genome position (GRCh38, 1-based): chr16:2,102,163, C>G on the plus strand (G>C on the coding strand, the complement: PKD1 is on the minus strand). VCF-style: chr16-2102163-C-G. GRCh37 (hg19) VCF-style: chr16-2152164-C-G.
Other names: c.9295G>C, p.Asp3099His (NM_000296.4); short protein forms D3099H.
Identifiers: ClinVar variation 3382907 (VCV003382907.2).
Genomic context (GRCh38, chr16:2,102,163, plus strand): 5'-TGAAGCGGCCCCGCTGCCCACAGAAAGGGATGGCGCGGCCCCGGCTGGCATCCAACTGGT[C>G]CAGCTTGTGCAGGATGGCGGCCATGACCATGTAGGTCACCAGGCACACAGCACATGTCAG-3'
Protein context (NP_001009944.3, residues 3089-3109): MVMAAILHKL[Asp3099His]QLDASRGRAI

ClinVar aggregate classification (germline): Uncertain significance (1 of 4 stars; one submission).

Conditions:
Polycystic kidney disease, adult type (PKD1). Also called: POLYCYSTIC KIDNEY DISEASE, ADULT, TYPE I; Polycystic Kidney Disease 1, Autosomal Dominant; Polycystic kidney disease 1; Polycystic kidney disease 1, severe; Polycystic Kidney, Autosomal Dominant; POLYCYSTIC KIDNEY DISEASE 1 WITH OR WITHOUT POLYCYSTIC LIVER DISEASE. Identifiers: MedGen C3149841, MONDO:0008263, OMIM 173900.

Submission:

Juno Genomics, Hangzhou Juno Genomics, Inc
Classification: Uncertain significance for Polycystic kidney disease, adult type. Review status: criteria provided, single submitter. Criteria: ACMG Guidelines, 2015. Collection method: clinical testing. Allele origin: germline. Affected: yes.
Comment: Absent from controls (or at extremely low frequency if recessive) in Genome Aggregation Database, Exome Sequencing Project, 1000 Genomes Project, or Exome Aggregation Consortium.;Patient's phenotype or family history is highly specific for a disease with a single genetic etiology.